The following is an entry in ClinVar:

ClinVar aggregate classification (germline): Benign (1 of 4 stars; one submission).

Conditions:
Familial cancer of breast. Also called: hereditary breast carcinoma; Hereditary breast cancer; BREAST CANCER, FAMILIAL. Identifiers: Orphanet 227535, MedGen C0346153, MONDO:0016419, OMIM 114480. Disease mechanism: loss of function.

gnomAD v4.1: 1 of 1,592,462 alleles (0.000063%); highest among the groups gnomAD compares: Non-Finnish European, 0.000085%; no homozygotes.

Submission:

Myriad Genetics, Inc.
Classification: Benign for Familial cancer of breast. Last evaluated: 2024-07-22. Review status: criteria provided, single submitter. Criteria: Myriad Autosomal Dominant, Autosomal Recessive and X-Linked Classification Criteria (2023). Collection method: clinical testing. Allele origin: unknown.
Comment: This variant is considered benign. This variant is a silent/synonymous amino acid change and it is not expected to impact splicing.

NM_000465.4(BARD1):c.663G>A (p.Glu221=)

Gene: BARD1 (BRCA1 associated RING domain 1; minus strand). Cytogenetic location: 2q35.
Variant type: single nucleotide variant.
Coding change: c.663G>A on transcript NM_000465.4 (MANE Select); coding-DNA position 663, G replaced by A.
Protein change: p.Glu221=; no amino-acid change (glutamic acid 221 retained).
Molecular consequence: synonymous variant. On other transcripts: non-coding transcript variant (2), intron variant (3).
Genome position (GRCh38, 1-based): chr2:214,781,211, C>T on the plus strand (G>A on the coding strand, the complement: BARD1 is on the minus strand). VCF-style: chr2-214781211-C-T. GRCh37 (hg19) VCF-style: chr2-215645935-C-T.
Other names: c.606G>A, p.Glu202= (NM_001282543.2); c.158+28201G>A (NM_001282548.2); c.215+15850G>A (NM_001282545.2); c.364+11086G>A (NM_001282549.2).
Identifiers: ClinVar variation 3379351 (VCV003379351.1).